The following is an entry in ClinVar:

NM_013439.3(PILRA):c.232A>G (p.Arg78Gly)

Genes: PILRA (paired immunoglobin like type 2 receptor alpha; plus strand), LOC129998933 (ATAC-STARR-seq lymphoblastoid active region 26360; plus strand). Cytogenetic location: 7q22.1.
Variant type: single nucleotide variant.
Coding change: c.232A>G on transcript NM_013439.3 (MANE Select); coding-DNA position 232, A replaced by G.
Protein change: p.Arg78Gly; replaces arginine 78 with glycine.
Molecular consequence: missense variant.
Genome position (GRCh38, 1-based): chr7:100,374,211, A>G. VCF-style: chr7-100374211-A-G. GRCh37 (hg19) VCF-style: chr7-99971834-A-G.
Other names: c.232A>G, p.Arg78Gly (NM_178272.2, NM_178273.2); short protein forms R78G.
Identifiers: ClinVar variation 1244384 (VCV001244384.3), dbSNP rs1859788, ClinGen allele CA4380556.

ClinVar aggregate classification (germline): Benign. Review status: criteria provided, multiple submitters, no conflicts (2 of 4 stars). 2 submissions from 2 submitters: Benign (2). Last evaluated 2019-04-20.

Allele frequency attached by ClinVar (database versions not stated): 1000 Genomes Project 0.65875; 1000 Genomes Project 30x 0.66318; TOPMed 0.70639; gnomAD 0.71275 and 0.72037; ESP Exome Variant Server 0.74373.
gnomAD v4.1: 1,097,674 of 1,613,776 alleles (68%); highest among the groups gnomAD compares: African/African-American, 87%; 378,895 homozygotes.

Submissions (2):

GeneDx
Classification: Benign. Last evaluated: 2019-04-20. Review status: criteria provided, single submitter. Criteria: GeneDx Variant Classification Process June 2021. Collection method: clinical testing. Allele origin: germline. Affected: yes.
Comment: This variant is associated with the following publications: (PMID: 31297637, 30388101)

Breakthrough Genomics
Classification: Benign. Review status: criteria provided, single submitter. Criteria: ACMG Guidelines, 2015. Collection method: not provided. Allele origin: germline. Inheritance: Unknown mechanism. Affected: yes.